The following is an entry in ClinVar:

NM_001457.4(FLNB):c.7424G>A (p.Arg2475His)

Genes: FLNB (filamin B; plus strand), FLNB-AS1 (FLNB antisense RNA 1; minus strand). Cytogenetic location: 3p14.3.
Variant type: single nucleotide variant.
Coding change: c.7424G>A on transcript NM_001457.4 (MANE Select); coding-DNA position 7424, G replaced by A.
Protein change: p.Arg2475His; replaces arginine 2475 with histidine.
Molecular consequence: missense variant.
Genome position (GRCh38, 1-based): chr3:58,169,596, G>A. VCF-style: chr3-58169596-G-A. GRCh37 (hg19) VCF-style: chr3-58155323-G-A.
Other names: c.7424G>A (NM_001457.3); c.7517G>A, p.Arg2506His (NM_001164317.2); c.7391G>A, p.Arg2464His (NM_001164318.2); c.7352G>A, p.Arg2451His (NM_001164319.2); short protein forms R2451H, R2464H, R2506H, R2475H.
Identifiers: ClinVar variation 1379441 (VCV001379441.10), dbSNP rs568474038, ClinGen allele CA2469691.

ClinVar aggregate classification (germline): Conflicting classifications of pathogenicity. Review status: criteria provided, conflicting classifications (1 of 4 stars). 3 submissions from 3 submitters: Uncertain significance (2); Benign (1). Last evaluated 2026-07-01.

Conditions:
Inborn genetic diseases. Identifiers: MedGen C0950123, MeSH D030342.
FLNB-related disorder. Also called: FLNB-related disorders; FLNB-related condition. Identifiers: MedGen CN381095.

Allele frequency attached by ClinVar (database versions not stated): ExAC 0.00004; gnomAD exomes 0.00004; gnomAD 0.00007; TOPMed 0.00007; 1000 Genomes Project 30x 0.00016; 1000 Genomes Project 0.00020.
gnomAD v4.1: 71 of 1,613,988 alleles (0.0044%); highest among the groups gnomAD compares: African/African-American, 0.012%; no homozygotes.

Submissions (3):

PreventionGenetics, part of Exact Sciences
Classification: Uncertain significance for FLNB-related condition. Last evaluated: 2026-07-01. Review status: criteria provided, single submitter. Criteria: ACMG Guidelines, 2015. Collection method: clinical testing. Allele origin: germline.
Comment: The FLNB c.7424G>A variant is predicted to result in the amino acid substitution p.Arg2475His. To our knowledge, this variant has not been reported in the literature. This variant is reported in 0.016% of alleles in individuals of African descent in gnomAD. At this time, the clinical significance of this variant is uncertain due to the absence of conclusive functional and genetic evidence.

Labcorp Genetics (formerly Invitae), Labcorp
Classification: Benign. Last evaluated: 2025-12-26. Review status: criteria provided, single submitter. Criteria: Invitae Variant Classification Sherloc (09022015). Collection method: clinical testing. Allele origin: germline.

Ambry Genetics
Classification: Uncertain significance for Inborn genetic diseases. Last evaluated: 2025-09-22. Review status: criteria provided, single submitter. Criteria: Ambry Variant Classification Scheme 2023. Collection method: clinical testing. Allele origin: germline.